The following is an entry in ClinVar:

NM_003705.5(SLC25A12):c.1706G>A (p.Arg569Gln)

Gene: SLC25A12 (solute carrier family 25 member 12; minus strand). Cytogenetic location: 2q31.1.
Variant type: single nucleotide variant.
Coding change: c.1706G>A on transcript NM_003705.5 (MANE Select); coding-DNA position 1706, G replaced by A.
Protein change: p.Arg569Gln; replaces arginine 569 with glutamine.
Molecular consequence: missense variant. On other transcripts: non-coding transcript variant (1).
Genome position (GRCh38, 1-based): chr2:171,787,827, C>T on the plus strand (G>A on the coding strand, the complement: SLC25A12 is on the minus strand). VCF-style: chr2-171787827-C-T. GRCh37 (hg19) VCF-style: chr2-172644337-C-T.
Other names: short protein forms R569Q.
Identifiers: ClinVar variation 666002 (VCV000666002.6), dbSNP rs773781970, ClinGen allele CA1966048.

ClinVar aggregate classification (germline): Uncertain significance (1 of 4 stars; one submission).

Allele frequency attached by ClinVar (database versions not stated): gnomAD 0.00003 and 0.00004; TOPMed 0.00006; ExAC 0.00007; gnomAD exomes 0.00007.
gnomAD v4.1: 37 of 1,614,080 alleles (0.0023%); highest among the groups gnomAD compares: East Asian, 0.022%; no homozygotes.

Submission:

Labcorp Genetics (formerly Invitae), Labcorp
Classification: Uncertain significance. Last evaluated: 2022-07-12. Review status: criteria provided, single submitter. Criteria: Invitae Variant Classification Sherloc (09022015). Collection method: clinical testing. Allele origin: germline.
Comment: This variant is present in population databases (rs773781970, gnomAD 0.06%). This sequence change replaces arginine, which is basic and polar, with glutamine, which is neutral and polar, at codon 569 of the SLC25A12 protein (p.Arg569Gln). In summary, the available evidence is currently insufficient to determine the role of this variant in disease. Therefore, it has been classified as a Variant of Uncertain Significance. Algorithms developed to predict the effect of missense changes on protein structure and function (SIFT, PolyPhen-2, Align-GVGD) all suggest that this variant is likely to be tolerated. ClinVar contains an entry for this variant (Variation ID: 666002). This variant has not been reported in the literature in individuals affected with SLC25A12-related conditions.